The following is an entry in ClinVar:

ClinVar aggregate classification (germline): Pathogenic. Review status: reviewed by expert panel (3 of 4 stars). 3 submissions from 3 submitters: Pathogenic (1). 2 of the submissions do not count toward it. Last evaluated 2016-09-08.

Conditions:
Hereditary breast ovarian cancer syndrome. Also called: Hereditary breast and/or ovarian cancer syndrome; Breast and ovarian cancer; Hereditary breast and ovarian cancer syndrome; Hereditary breast and ovarian cancer; Hereditary breast and ovarian cancer syndrome (HBOC); BRCA1- and BRCA2-Associated Hereditary Breast and Ovarian Cancer. Identifiers: Orphanet 145, MedGen C0677776, MeSH D061325, MONDO:0003582. Disease mechanism: loss of function.
Breast-ovarian cancer, familial, susceptibility to, 1 (BROVCA1). Also called: BRCA1 Hereditary Breast and Ovarian Cancer; OVARIAN CANCER, SUSCEPTIBILITY TO. Identifiers: Orphanet 145, MedGen C2676676, MONDO:0011450, OMIM 604370. Disease mechanism: loss of function.

Submissions (3):

Evidence-based Network for the Interpretation of Germline Mutant Alleles (ENIGMA)
Classification: Pathogenic for Breast-ovarian cancer, familial, susceptibility to, 1. Last evaluated: 2016-09-08. Review status: reviewed by expert panel. Criteria: ENIGMA BRCA1/2 Classification Criteria (2015). Collection method: curation. Allele origin: germline.
Comment: Variant allele predicted to encode a truncated non-functional protein.

Research Molecular Genetics Laboratory, Women's College Hospital, University of Toronto
Classification: Pathogenic for Hereditary breast ovarian cancer syndrome. Last evaluated: 2014-01-31. Review status: no assertion criteria provided. Collection method: research. Allele origin: germline. Affected: yes. Study: The Canadian Open Genetics Repository (COGR). Not counted in ClinVar's aggregate classification.

Breast Cancer Information Core (BIC) (BRCA1)
Classification: Pathogenic for Breast-ovarian cancer, familial 1. Last evaluated: 2002-05-29. Review status: no assertion criteria provided. Collection method: clinical testing. Allele origin: germline. Affected: yes. Observed: 1 variant allele. Not counted in ClinVar's aggregate classification.

NM_007294.4(BRCA1):c.1561_1562delinsTA (p.Ala521Ter)

Gene: BRCA1 (BRCA1 DNA repair associated; minus strand). Cytogenetic location: 17q21.31.
Variant type: Indel.
Coding change: c.1561_1562delinsTA on transcript NM_007294.4 (MANE Select); coding-DNA positions 1561 to 1562, GC replaced by TA.
Protein change: p.Ala521Ter; replaces alanine 521 with a stop codon.
Molecular consequence: nonsense. On other transcripts: intron variant (137).
Genome position (GRCh38, 1-based): chr17:43,093,969-43,093,970, GC replaced by TA on the plus strand (GC replaced by TA on the coding strand, the reverse complement: BRCA1 is on the minus strand). VCF-style: chr17-43093969-GC-TA. GRCh37 (hg19) VCF-style: chr17-41245986-GC-TA.
Other names: c.1348_1349delinsTA, p.Ala450Ter (NM_001407571.1, NM_001407853.1, NM_001407894.1 and 9 more transcripts); c.1561_1562delinsTA, p.Ala521Ter (NM_001407581.1, NM_001407582.1, NM_001407583.1 and 30 more transcripts); c.1558_1559delinsTA, p.Ala520Ter (NM_001407587.1, NM_001407590.1, NM_001407591.1 and 22 more transcripts); c.1552_1553delinsTA, p.Ala518Ter (NM_001407646.1, NM_001407647.1); c.1438_1439delinsTA, p.Ala480Ter (NM_001407648.1, NM_001407664.1, NM_001407665.1 and 19 more transcripts); c.1435_1436delinsTA, p.Ala479Ter (NM_001407649.1, NM_001407685.1, NM_001407686.1 and 11 more transcripts); c.1480_1481delinsTA, p.Ala494Ter (NM_001407662.1, NM_001407659.1, NM_001407660.1 and 1 more transcripts); c.1483_1484delinsTA, p.Ala495Ter (NM_001407663.1, NM_001407653.1, NM_001407654.1 and 4 more transcripts); and 40 more; short protein forms A521X, A474*, A451*, A480*, A450*, A454*, A473*, A494*.
Identifiers: ClinVar variation 125504 (VCV000125504.3), dbSNP rs273897663, ClinGen allele CA001043.
Genomic context (GRCh38, chr17:43,093,969, plus strand): 5'-TGCTCCGTTTGGTTAGTTCCCTGATTTATCATTTCAGGAGTCTTTTGAACTGCCAAATCT[GC>TA]TTTCTTGATAAAATCCTCAGGATGAAGGCCTGATGTAGGTCTCCTTTTACGCTTTAATTT-3'